The following is an entry in ClinVar:

NM_005732.4(RAD50):c.2305G>C (p.Glu769Gln)

Gene: RAD50 (RAD50 double strand break repair protein; plus strand). Cytogenetic location: 5q31.1.
Variant type: single nucleotide variant.
Coding change: c.2305G>C on transcript NM_005732.4 (MANE Select); coding-DNA position 2305, G replaced by C.
Protein change: p.Glu769Gln; replaces glutamic acid 769 with glutamine.
Molecular consequence: missense variant.
Genome position (GRCh38, 1-based): chr5:132,603,397, G>C. VCF-style: chr5-132603397-G-C. GRCh37 (hg19) VCF-style: chr5-131939089-G-C.
Other names: short protein forms E769Q.
Identifiers: ClinVar variation 4862841 (VCV004862841.1).

ClinVar aggregate classification (germline): Uncertain significance (1 of 4 stars; one submission).

Conditions:
Hereditary cancer-predisposing syndrome. Also called: Neoplastic Syndromes, Hereditary; Tumor predisposition; Hereditary Cancer Syndrome; Hereditary neoplastic syndrome. Identifiers: Orphanet 140162, MedGen C0027672, MeSH D009386, MONDO:0015356.

Submission:

Ambry Genetics
Classification: Uncertain significance for Hereditary cancer-predisposing syndrome. Last evaluated: 2026-04-20. Review status: criteria provided, single submitter. Criteria: Ambry Variant Classification Scheme 2023. Collection method: clinical testing. Allele origin: germline.
Comment: The p.E769Q variant (also known as c.2305G>C), located in coding exon 14 of the RAD50 gene, results from a G to C substitution at nucleotide position 2305. The glutamic acid at codon 769 is replaced by glutamine, an amino acid with highly similar properties. This amino acid position is conserved. In addition, the in silico prediction for this alteration is inconclusive. Based on the available evidence, the clinical significance of this variant remains unclear.